The following is an entry in ClinVar:

ClinVar aggregate classification (germline): Uncertain significance (1 of 4 stars; one submission).

gnomAD v4.1: 4 of 1,536,568 alleles (0.00026%); highest among the groups gnomAD compares: African/African-American, 0.0041%; no homozygotes.

Submission:

Mayo Clinic Laboratories, Mayo Clinic
Classification: Uncertain significance. Last evaluated: 2025-07-01. Review status: criteria provided, single submitter. Criteria: ACMG Guidelines, 2015. Collection method: clinical testing. Allele origin: germline. Observed: 1 variant allele.
Comment: BP4_moderate, PM2_supporting

NM_001367624.2(ZNF469):c.3448G>A (p.Gly1150Arg)

Gene: ZNF469 (zinc finger protein 469; plus strand). Cytogenetic location: 16q24.2.
Variant type: single nucleotide variant.
Coding change: c.3448G>A on transcript NM_001367624.2 (MANE Select); coding-DNA position 3448, G replaced by A.
Protein change: p.Gly1150Arg; replaces glycine 1150 with arginine.
Molecular consequence: missense variant.
Genome position (GRCh38, 1-based): chr16:88,430,918, G>A. VCF-style: chr16-88430918-G-A. GRCh37 (hg19) VCF-style: chr16-88497326-G-A.
Other names: p.Gly1150Arg; short protein forms G1150R.
Identifiers: ClinVar variation 4542063 (VCV004542063.1).